The following is an entry in ClinVar:

ClinVar aggregate classification (germline): Uncertain significance. Review status: criteria provided, multiple submitters, no conflicts (2 of 4 stars). 3 submissions from 3 submitters: Uncertain significance (2). 1 of the submissions does not count toward it. Last evaluated 2025-06-03.

Conditions:
STK11-related disorder. Also called: STK11-related condition.
Melanoma, cutaneous malignant, susceptibility to, 1 (CMM1). Also called: B-K MOLE SYNDROME; DYSPLASTIC NEVUS SYNDROME, HEREDITARY; FAMILIAL ATYPICAL MOLE-MALIGNANT MELANOMA SYNDROME; MELANOMA, MALIGNANT. Identifiers: Orphanet 618, MedGen C1835047, MONDO:0007963, OMIM 155600.
Peutz-Jeghers syndrome (PJS). Also called: Peutz-Jeghers polyposis; Periorificial lentiginosis syndrome; POLYPOSIS, HAMARTOMATOUS INTESTINAL; POLYPS-AND-SPOTS SYNDROME. Identifiers: Orphanet 2869, MedGen C0031269, MeSH D010580, MONDO:0008280, OMIM 175200.

Allele frequency attached by ClinVar (database versions not stated): gnomAD exomes below 0.00001.
gnomAD v4.1: 1 of 1,611,826 alleles (0.000062%); highest among the groups gnomAD compares: South Asian, 0.0011%; no homozygotes.

Submissions (3):

Labcorp Genetics (formerly Invitae), Labcorp
Classification: Uncertain significance for Peutz-Jeghers syndrome. Last evaluated: 2025-06-03. Review status: criteria provided, single submitter. Criteria: Invitae Variant Classification Sherloc (09022015). Collection method: clinical testing. Allele origin: germline.
Comment: This sequence change replaces aspartic acid, which is acidic and polar, with asparagine, which is neutral and polar, at codon 359 of the STK11 protein (p.Asp359Asn). This variant is not present in population databases (gnomAD no frequency). This variant has not been reported in the literature in individuals affected with STK11-related conditions. ClinVar contains an entry for this variant (Variation ID: 403789). Invitae Evidence Modeling of protein sequence and biophysical properties (such as structural, functional, and spatial information, amino acid conservation, physicochemical variation, residue mobility, and thermodynamic stability) indicates that this missense variant is not expected to disrupt STK11 protein function with a negative predictive value of 95%. In summary, the available evidence is currently insufficient to determine the role of this variant in disease. Therefore, it has been classified as a Variant of Uncertain Significance.

Baylor Genetics
Classification: Uncertain significance for Melanoma, cutaneous malignant, susceptibility to, 1. Last evaluated: 2024-03-22. Review status: criteria provided, single submitter. Criteria: ACMG Guidelines, 2015. Collection method: clinical testing. Allele origin: unknown.

PreventionGenetics, part of Exact Sciences
Classification: Uncertain significance for STK11-related condition. Last evaluated: 2024-06-12. Review status: no assertion criteria provided. Collection method: clinical testing. Allele origin: germline. Not counted in ClinVar's aggregate classification.
Comment: The STK11 c.1075G>A variant is predicted to result in the amino acid substitution p.Asp359Asn. To our knowledge, this variant has not been reported in the literature or in a large population database, indicating this variant is rare. This variant has been classified as uncertain in the ClinVar database. At this time, the clinical significance of this variant is uncertain due to the absence of conclusive functional and genetic evidence.

NM_000455.5(STK11):c.1075G>A (p.Asp359Asn)

Genes: STK11 (serine/threonine kinase 11; plus strand), LOC130062899 (ATAC-STARR-seq lymphoblastoid active region 13597; plus strand). Cytogenetic location: 19p13.3.
Variant type: single nucleotide variant.
Coding change: c.1075G>A on transcript NM_000455.5 (MANE Select); coding-DNA position 1075, G replaced by A.
Protein change: p.Asp359Asn; replaces aspartic acid 359 with asparagine.
Molecular consequence: missense variant.
Genome position (GRCh38, 1-based): chr19:1,223,139, G>A. VCF-style: chr19-1223139-G-A. GRCh37 (hg19) VCF-style: chr19-1223138-G-A.
Other names: short protein forms D359N.
Identifiers: ClinVar variation 403789 (VCV000403789.10), dbSNP rs1060499967, ClinGen allele CA16616238.
Genomic context (GRCh38, chr19:1,223,139, plus strand): 5'-CCGTACTTGGAGGACCTGCACGGCGCGGACGAGGACGAGGACCTCTTCGACATCGAGGAT[G>A]ACATCATCTACACTCAGGACTTCACGGTGCCCGGTGAGTCTGGCGGGGGCCCCTGCCCGG-3'
Protein context (NP_000446.1, residues 349-369): EDEDLFDIED[Asp359Asn]IIYTQDFTVP